The following is an entry in ClinVar:

ClinVar aggregate classification (germline): Uncertain significance. Review status: criteria provided, multiple submitters, no conflicts (2 of 4 stars). 2 submissions from 2 submitters: Uncertain significance (2). Last evaluated 2024-11-05.

Conditions:
Glioma susceptibility 1 (GLM1). Also called: Glioblastoma, somatic. Identifiers: MedGen C2750850, MONDO:0024498, OMIM 137800.
Gastric cancer. Also called: Malignant tumor of stomach; Stomach cancer. Identifiers: MedGen C0024623, MeSH D013274, MONDO:0001056, OMIM 613659, HP:0012126.
Ovarian cancer. Also called: OVARIAN CANCER, SOMATIC. Identifiers: Orphanet 213500, MedGen C1140680, MONDO:0008170, OMIM 167000.
Lung cancer. Also called: Lung cancer, somatic; Malignant tumor of lung. Identifiers: MedGen C0242379, MONDO:0008903, OMIM 211980.
Visceral neuropathy, familial, 2, autosomal recessive. Identifiers: MedGen C5561950, MONDO:0030399, OMIM 619465.

Allele frequency attached by ClinVar (database versions not stated): gnomAD exomes 0.00002.
gnomAD v4.1: 58 of 1,613,388 alleles (0.0036%); highest among the groups gnomAD compares: Middle Eastern, 0.016%; no homozygotes.

Submissions (2):

Labcorp Genetics (formerly Invitae), Labcorp
Classification: Uncertain significance. Last evaluated: 2024-11-05. Review status: criteria provided, single submitter. Criteria: Invitae Variant Classification Sherloc (09022015). Collection method: clinical testing. Allele origin: germline.
Comment: This sequence change replaces arginine, which is basic and polar, with histidine, which is basic and polar, at codon 203 of the ERBB2 protein (p.Arg203His). This variant is present in population databases (no rsID available, gnomAD 0.005%). This variant has not been reported in the literature in individuals affected with ERBB2-related conditions. ClinVar contains an entry for this variant (Variation ID: 1438528). Invitae Evidence Modeling of protein sequence and biophysical properties (such as structural, functional, and spatial information, amino acid conservation, physicochemical variation, residue mobility, and thermodynamic stability) indicates that this missense variant is not expected to disrupt ERBB2 protein function with a negative predictive value of 80%. In summary, the available evidence is currently insufficient to determine the role of this variant in disease. Therefore, it has been classified as a Variant of Uncertain Significance.

Fulgent Genetics
Classification: Uncertain significance for Glioma susceptibility 1; Ovarian cancer; Lung cancer; Gastric cancer; Visceral neuropathy, familial, 2, autosomal recessive. Last evaluated: 2024-01-15. Review status: criteria provided, single submitter. Criteria: ACMG Guidelines, 2015. Collection method: clinical testing. Allele origin: germline.

NM_004448.4(ERBB2):c.608G>A (p.Arg203His)

Gene: ERBB2 (erb-b2 receptor tyrosine kinase 2; plus strand). Cytogenetic location: 17q12.
Variant type: single nucleotide variant.
Coding change: c.608G>A on transcript NM_004448.4 (MANE Select); coding-DNA position 608, G replaced by A.
Protein change: p.Arg203His; replaces arginine 203 with histidine.
Molecular consequence: missense variant. On other transcripts: non-coding transcript variant (1), intron variant (2).
Genome position (GRCh38, 1-based): chr17:39,709,846, G>A. VCF-style: chr17-39709846-G-A. GRCh37 (hg19) VCF-style: chr17-37866099-G-A.
Other names: c.599G>A, p.Arg200His (NM_001382791.1); c.608G>A, p.Arg203His (NM_001382792.1, NM_001382793.1, NM_001382794.1 and 17 more transcripts); c.518G>A, p.Arg173His (NM_001005862.3, NM_001289938.2, NM_001382782.1 and 1 more transcripts); c.563G>A, p.Arg188His (NM_001289936.2); c.683G>A, p.Arg228His (NM_001382787.1); c.440-12G>A (NM_001382799.1); c.74-2082G>A (NM_001382804.1); short protein forms R203H, R188H, R200H, R173H, R228H.
Identifiers: ClinVar variation 1438528 (VCV001438528.9), dbSNP rs896171398, ClinGen allele CA399276545.